The following is an entry in ClinVar:

ClinVar aggregate classification (germline): Pathogenic (1 of 4 stars; one submission).

Conditions:
Jeune thoracic dystrophy. Also called: Jeune syndrome; Infantile thoracic dystrophy; Thoracic pelvic phalangeal dystrophy; Jeune's syndrome; Chondroectodermal dysplasia-like syndrome; Short-rib thoracic dysplasia. Identifiers: Orphanet 474, MedGen C0265275, MONDO:0018770.

Submission:

Labcorp Genetics (formerly Invitae), Labcorp
Classification: Pathogenic for Jeune thoracic dystrophy. Last evaluated: 2024-03-01. Review status: criteria provided, single submitter. Criteria: Invitae Variant Classification Sherloc (09022015). Collection method: clinical testing. Allele origin: germline.
Comment: This sequence change creates a premature translational stop signal (p.Gln2437*) in the DYNC2H1 gene. It is expected to result in an absent or disrupted protein product. Loss-of-function variants in DYNC2H1 are known to be pathogenic (PMID: 23339108, 32753734, 33755199). This variant is not present in population databases (gnomAD no frequency). This variant has not been reported in the literature in individuals affected with DYNC2H1-related conditions. Algorithms developed to predict the effect of sequence changes on RNA splicing suggest that this variant may disrupt the consensus splice site. For these reasons, this variant has been classified as Pathogenic.

Literature cited by the submitters: PubMed 23339108; PubMed 32753734; PubMed 33755199.

NM_001377.3(DYNC2H1):c.7309C>T (p.Gln2437Ter)

Gene: DYNC2H1 (dynein cytoplasmic 2 heavy chain 1; plus strand). Cytogenetic location: 11q22.3.
Variant type: single nucleotide variant.
Coding change: c.7309C>T on transcript NM_001377.3 (MANE Select); coding-DNA position 7309, C replaced by T.
Protein change: p.Gln2437Ter; replaces glutamine 2437 with a stop codon.
Molecular consequence: nonsense.
Genome position (GRCh38, 1-based): chr11:103,189,688, C>T. VCF-style: chr11-103189688-C-T. GRCh37 (hg19) VCF-style: chr11-103060417-C-T.
Other names: c.7309C>T, p.Gln2437Ter (NM_001080463.2); short protein forms Q2437*.
Identifiers: ClinVar variation 3643908 (VCV003643908.2).